The following is an entry in ClinVar:

NM_000551.4(VHL):c.340+733G>T

Genes: VHL (von Hippel-Lindau tumor suppressor; plus strand), LOC107303340 (3p25 von Hippel-Lindau tumor suppressor, E3 ubiquitin protein ligase Alu-mediated recombination region; plus strand). Cytogenetic location: 3p25.3.
Variant type: single nucleotide variant.
Coding change: c.340+733G>T on transcript NM_000551.4 (MANE Select); 733 bases into the intron after coding-DNA position 340, G replaced by T.
Molecular consequence: intron variant. On other transcripts: synonymous variant (1).
Genome position (GRCh38, 1-based): chr3:10,142,920, G>T. VCF-style: chr3-10142920-G-T. GRCh37 (hg19) VCF-style: chr3-10184604-G-T.
Other names: c.498G>T, p.Leu166= (NM_001354723.2); c.340+733G>T (NM_198156.3).
Identifiers: ClinVar variation 1483157 (VCV001483157.8), dbSNP rs2125126040, ClinGen allele CA2573136127.
Genomic context (GRCh38, chr3:10,142,920, plus strand): 5'-CCAGGGTCATGTTGGCGCCGGAAGAGCCGACCGTGTGTGGCGTGGGAAATTGACTTACCT[G>T]CCTGCTGGGAGATGGAGGGGTTGCGGTTGTGTGGTTTCAGTTAAGGAGCACTTCCCGGAG-3'

ClinVar aggregate classification (germline): Uncertain significance (1 of 4 stars; one submission).

Conditions:
Von Hippel-Lindau syndrome (VHLS). Also called: Von Hippel-Lindau; von Hippel–Lindau syndrome; VHL syndrome. Identifiers: Orphanet 892, MedGen C0019562, MONDO:0008667, OMIM 193300. Disease mechanism: loss of function.
Chuvash polycythemia. Also called: POLYCYTHEMIA, VHL-DEPENDENT. Identifiers: Orphanet 238557, MedGen C1837915, MONDO:0009892, OMIM 263400.

Submission:

Labcorp Genetics (formerly Invitae), Labcorp
Classification: Uncertain significance for Von Hippel-Lindau syndrome; Chuvash polycythemia. Last evaluated: 2021-03-17. Review status: criteria provided, single submitter. Criteria: Invitae Variant Classification Sherloc (09022015). Collection method: clinical testing. Allele origin: germline.
Comment: In summary, the available evidence is currently insufficient to determine the role of this variant in disease. Therefore, it has been classified as a Variant of Uncertain Significance. Experimental studies and prediction algorithms are not available or were not evaluated, and the functional significance of this variant is currently unknown. This variant has not been reported in the literature in individuals with VHL-related conditions. The frequency data for this variant in the population databases is considered unreliable, as metrics indicate insufficient coverage at this position in the ExAC database. This sequence change falls in intron 1 of the VHL gene. It is not expected to change the encoded amino acid sequence of the VHL protein. However, this sequence change falls within a cryptic exon in the VHL gene, known as exon E1’, which is naturally expressed at low levels in several human tissues (PMID: 29891534).

Literature cited by the submitters: PubMed 29891534.